The following is an entry in ClinVar:

ClinVar aggregate classification (germline): Uncertain significance (1 of 4 stars; one submission).

Conditions:
Wilms tumor 1 (WT1). Also called: Wilms tumor, somatic. Identifiers: Orphanet 654, MedGen CN033288, MONDO:0008679, OMIM 194070.
11p partial monosomy syndrome (WAGR). Also called: WAGR syndrome; WAGR Complex; WAGR Spectrum Disorder; CHROMOSOME 11p13 DELETION SYNDROME. Identifiers: Orphanet 893, MedGen C0206115, MONDO:0008681, OMIM 194072.
Frasier syndrome. Identifiers: Orphanet 347, MedGen C0950122, MeSH D052159, MONDO:0007635, OMIM 136680.
Drash syndrome (DDS). Also called: WILMS TUMOR AND PSEUDO- OR TRUE HERMAPHRODITISM; NEPHROPATHY, WILMS TUMOR, AND GENITAL ANOMALIES. Identifiers: Orphanet 220, MedGen C0950121, MONDO:0008682, OMIM 194080.

Submission:

Labcorp Genetics (formerly Invitae), Labcorp
Classification: Uncertain significance for Wilms tumor 1; Drash syndrome; 11p partial monosomy syndrome; Frasier syndrome. Last evaluated: 2018-05-24. Review status: criteria provided, single submitter. Criteria: Invitae Variant Classification Sherloc (09022015). Collection method: clinical testing. Allele origin: germline.
Comment: This variant is not present in population databases (ExAC no frequency). This sequence change replaces aspartic acid with asparagine at codon 223 of the WT1 protein (p.Asp223Asn). The aspartic acid residue is highly conserved and there is a small physicochemical difference between aspartic acid and asparagine. This variant has not been reported in the literature in individuals with WT1-related disease. Algorithms developed to predict the effect of missense changes on protein structure and function are either unavailable or do not agree on the potential impact of this missense change (SIFT: "Tolerated"; PolyPhen-2: "Possibly Damaging"; Align-GVGD: "Class C0"). In summary, the available evidence is currently insufficient to determine the role of this variant in disease. Therefore, it has been classified as a Variant of Uncertain Significance.

NM_024426.6(WT1):c.682G>A (p.Asp228Asn)

Gene: WT1 (WT1 transcription factor; minus strand). Cytogenetic location: 11p13.
Variant type: single nucleotide variant.
Coding change: c.682G>A on transcript NM_024426.6 (MANE Select); coding-DNA position 682, G replaced by A.
Protein change: p.Asp228Asn; replaces aspartic acid 228 with asparagine.
Molecular consequence: missense variant. On other transcripts: non-coding transcript variant (1).
Genome position (GRCh38, 1-based): chr11:32,428,599, C>T on the plus strand (G>A on the coding strand, the complement: WT1 is on the minus strand). VCF-style: chr11-32428599-C-T. GRCh37 (hg19) VCF-style: chr11-32450145-C-T.
Other names: c.682G>A, p.Asp228Asn (NM_000378.6, NM_001407044.1, NM_001407045.1 and 4 more transcripts); c.31G>A, p.Asp11Asn (NM_001198551.2, NM_001198552.2); c.-81G>A (NM_001407051.1); c.667G>A, p.Asp223Asn (NM_024425.2); short protein forms D228N, D11N.
Identifiers: ClinVar variation 577656 (VCV000577656.10), dbSNP rs1193052708, ClinGen allele CA379963561.